The following is an entry in ClinVar:

ClinVar aggregate classification (germline): Likely benign (1 of 4 stars; one submission).

gnomAD v4.1: 33 of 1,569,866 alleles (0.0021%); highest among the groups gnomAD compares: African/African-American, 0.016%; no homozygotes.

Submission:

Mayo Clinic Laboratories, Mayo Clinic
Classification: Likely benign. Last evaluated: 2025-08-12. Review status: criteria provided, single submitter. Criteria: ACMG Guidelines, 2015. Collection method: clinical testing. Allele origin: germline. Observed: 1 variant allele.
Comment: BP4, BP7

NM_000476.3(AK1):c.8-360C>T

Genes: AK1 (adenylate kinase 1; minus strand), ST6GALNAC4-ST6GALNAC6-AK1 (ST6GALNAC4-ST6GALNAC6-AK1 readthrough; minus strand). Cytogenetic location: 9q34.11.
Variant type: single nucleotide variant.
Coding change: c.8-360C>T on transcript NM_000476.3 (MANE Select); 360 bases into the intron before coding-DNA position 8, C replaced by T.
Molecular consequence: intron variant. On other transcripts: missense variant (1).
Genome position (GRCh38, 1-based): chr9:127,873,421, G>A on the plus strand (C>T on the coding strand, the complement: AK1 is on the minus strand). VCF-style: chr9-127873421-G-A. GRCh37 (hg19) VCF-style: chr9-130635700-G-A.
Other names: p.?; c.28C>T, p.Arg10Cys (NM_001318122.2); c.8-360C>T (NM_001318121.1); short protein forms R10C.
Identifiers: ClinVar variation 4683435 (VCV004683435.1).
Genomic context (GRCh38, chr9:127,873,421, plus strand): 5'-CCCTGTGGGTGCCTGGACCCCGGGGCCGGTCACCTCTGGCTCTCAGATCGTCTTCTCTGC[G>A]GGGGTCACTCGAGGAGCAGCAGCCCATGGTCCCGTCCTGCCGTGTCTCCTGTGCACCCTG-3'